The following is an entry in ClinVar:

NM_000138.5(FBN1):c.2113+4T>C

Gene: FBN1 (fibrillin 1; minus strand). Cytogenetic location: 15q21.1.
Variant type: single nucleotide variant.
Coding change: c.2113+4T>C on transcript NM_000138.5 (MANE Select); 4 bases into the intron after coding-DNA position 2113, T replaced by C.
Molecular consequence: intron variant.
Genome position (GRCh38, 1-based): chr15:48,503,783, A>G on the plus strand (T>C on the coding strand, the complement: FBN1 is on the minus strand). VCF-style: chr15-48503783-A-G. GRCh37 (hg19) VCF-style: chr15-48795980-A-G.
Identifiers: ClinVar variation 1446621 (VCV001446621.7), dbSNP rs2141315610, ClinGen allele CA2573150767.

ClinVar aggregate classification (germline): Uncertain significance (1 of 4 stars; one submission).

Conditions:
Marfan syndrome (MFS). Also called: MARFAN SYNDROME, TYPE I; Marfan syndrome type 1; Marfan's syndrome; Marfan syndrome, classic; FBN1-Related Marfan Syndrome. Identifiers: Orphanet 284963, Orphanet 558, MedGen C0024796, MONDO:0007947, OMIM 154700.
Familial thoracic aortic aneurysm and aortic dissection (TAAD). Also called: Thoracic aortic aneurysms and dissections. Identifiers: Orphanet 91387, MedGen C4707243, MONDO:0019625.

Submission:

Labcorp Genetics (formerly Invitae), Labcorp
Classification: Uncertain significance for Marfan syndrome; Familial thoracic aortic aneurysm and aortic dissection. Last evaluated: 2022-02-04. Review status: criteria provided, single submitter. Criteria: Invitae Variant Classification Sherloc (09022015). Collection method: clinical testing. Allele origin: germline.
Comment: In summary, the available evidence is currently insufficient to determine the role of this variant in disease. Therefore, it has been classified as a Variant of Uncertain Significance. Variants that disrupt the consensus splice site are a relatively common cause of aberrant splicing (PMID: 17576681, 9536098). Algorithms developed to predict the effect of sequence changes on RNA splicing suggest that this variant is not likely to affect RNA splicing. This variant has not been reported in the literature in individuals affected with FBN1-related conditions. This variant is not present in population databases (gnomAD no frequency). This sequence change falls in intron 17 of the FBN1 gene. It does not directly change the encoded amino acid sequence of the FBN1 protein. It affects a nucleotide within the consensus splice site.

Literature cited by the submitters: PubMed 17576681; PubMed 9536098.